The following is an entry in ClinVar:

ClinVar aggregate classification (germline): Likely benign. Review status: criteria provided, multiple submitters, no conflicts (2 of 4 stars). 2 submissions from 2 submitters: Likely benign (2). Last evaluated 2022-07-19.

Conditions:
Early-infantile DEE. Also called: Early infantile epileptic encephalopathy with suppression bursts; Ohtahara syndrome; Early infantile epileptic encephalopathy. Identifiers: Orphanet 1934, MedGen C0393706, MONDO:0800491.

Allele frequency attached by ClinVar (database versions not stated): gnomAD exomes below 0.00001.
gnomAD v4.1: 1 of 1,614,114 alleles (0.000062%); highest among the groups gnomAD compares: Admixed American, 0.0017%; no homozygotes.

Submissions (2):

Labcorp Genetics (formerly Invitae), Labcorp
Classification: Likely benign for Early-infantile DEE. Last evaluated: 2022-07-19. Review status: criteria provided, single submitter. Criteria: Invitae Variant Classification Sherloc (09022015). Collection method: clinical testing. Allele origin: germline.

GeneDx
Classification: Likely benign. Last evaluated: 2017-05-18. Review status: criteria provided, single submitter. Criteria: GeneDx Variant Classification (06012015). Collection method: clinical testing. Allele origin: germline. Affected: yes.
Comment: This variant is considered likely benign or benign based on one or more of the following criteria: it is a conservative change, it occurs at a poorly conserved position in the protein, it is predicted to be benign by multiple in silico algorithms, and/or has population frequency not consistent with disease.

NM_001130438.3(SPTAN1):c.315T>C (p.Thr105=)

Gene: SPTAN1 (spectrin alpha, non-erythrocytic 1; plus strand). Cytogenetic location: 9q34.11.
Variant type: single nucleotide variant.
Coding change: c.315T>C on transcript NM_001130438.3 (MANE Select); coding-DNA position 315, T replaced by C.
Protein change: p.Thr105=; no amino-acid change (threonine 105 retained).
Molecular consequence: synonymous variant.
Genome position (GRCh38, 1-based): chr9:128,568,849, T>C. VCF-style: chr9-128568849-T-C. GRCh37 (hg19) VCF-style: chr9-131331128-T-C.
Other names: c.315T>C, p.Thr105= (NM_001195532.2, NM_001363759.2, NM_001363765.2 and 1 more transcripts).
Identifiers: ClinVar variation 509734 (VCV000509734.11), dbSNP rs1182605348, ClinGen allele CA467294767.